The following is an entry in ClinVar:

NM_016203.4(PRKAG2):c.173A>T (p.His58Leu)

Gene: PRKAG2 (protein kinase AMP-activated non-catalytic subunit gamma 2; minus strand). Cytogenetic location: 7q36.1.
Variant type: single nucleotide variant.
Coding change: c.173A>T on transcript NM_016203.4 (MANE Select); coding-DNA position 173, A replaced by T.
Protein change: p.His58Leu; replaces histidine 58 with leucine.
Molecular consequence: missense variant.
Genome position (GRCh38, 1-based): chr7:151,786,483, T>A on the plus strand (A>T on the coding strand, the complement: PRKAG2 is on the minus strand). VCF-style: chr7-151786483-T-A. GRCh37 (hg19) VCF-style: chr7-151483569-T-A.
Other names: c.41A>T, p.His14Leu (NM_001040633.2); short protein forms H14L, H58L.
Identifiers: ClinVar variation 928084 (VCV000928084.4), dbSNP rs1289539756, ClinGen allele CA370069999.

ClinVar aggregate classification (germline): Uncertain significance (1 of 4 stars; one submission).

Conditions:
Cardiomyopathy (CMYO). Also called: Cardiomyopathies. Identifiers: Orphanet 167848, MedGen C0878544, MONDO:0004994, HP:0001638. Inheritance: Various modes of inheritance.

Allele frequency attached by ClinVar (database versions not stated): gnomAD exomes below 0.00001.
gnomAD v4.1: 1 of 1,612,494 alleles (0.000062%); highest among the groups gnomAD compares: Non-Finnish European, 0.000085%; no homozygotes.

Submission:

Color Diagnostics, LLC DBA Color Health
Classification: Uncertain significance for Cardiomyopathy. Last evaluated: 2024-03-06. Review status: criteria provided, single submitter. Criteria: ACMG Guidelines, 2015. Collection method: clinical testing. Allele origin: germline.
Comment: This missense variant replaces histidine with leucine at codon 58 of the PRKAG2 protein. Computational prediction suggests that this variant may not impact protein structure and function (internally defined REVEL score threshold <= 0.5, PMID: 27666373). Splice site prediction tools suggest that this variant may not impact RNA splicing. To our knowledge, functional studies have not been performed for this variant. This variant has not been reported in individuals affected with cardiovascular disorders in the literature. This variant has not been identified in the general population by the Genome Aggregation Database (gnomAD). The available evidence is insufficient to determine the role of this variant in disease conclusively. Therefore, this variant is classified as a Variant of Uncertain Significance.